The following is an entry in ClinVar:

NM_000260.4(MYO7A):c.149C>T (p.Pro50Leu)

Gene: MYO7A (myosin VIIA; plus strand). Cytogenetic location: 11q13.5.
Variant type: single nucleotide variant.
Coding change: c.149C>T on transcript NM_000260.4 (MANE Select); coding-DNA position 149, C replaced by T.
Protein change: p.Pro50Leu; replaces proline 50 with leucine.
Molecular consequence: missense variant.
Genome position (GRCh38, 1-based): chr11:77,147,814, C>T. VCF-style: chr11-77147814-C-T. GRCh37 (hg19) VCF-style: chr11-76858860-C-T.
Other names: c.149C>T, p.Pro50Leu (NM_001127180.2); c.116C>T, p.Pro39Leu (NM_001369365.1); short protein forms P39L, P50L.
Identifiers: ClinVar variation 1376216 (VCV001376216.3), dbSNP rs372170717, ClinGen allele CA6197059.
Genomic context (GRCh38, chr11:77,147,814, plus strand): 5'-GCCTGGGCCCCAGGAGAGCACGCTGACGTTCTGGCTCCCCGCAGGAACACTGGATCTCTC[C>T]GCAGAACGCAACGCACATCAAGCCTATGCACCCCACGTCGGTCCACGGCGTGGAGGACAT-3'
Protein context (NP_000251.3, residues 40-60): DDEDNEHWIS[Pro50Leu]QNATHIKPMH

ClinVar aggregate classification (germline): Uncertain significance (1 of 4 stars; one submission).

Allele frequency attached by ClinVar (database versions not stated): gnomAD exomes below 0.00001; gnomAD 0.00001.

Submission:

Labcorp Genetics (formerly Invitae), Labcorp
Classification: Uncertain significance. Last evaluated: 2022-03-29. Review status: criteria provided, single submitter. Criteria: Invitae Variant Classification Sherloc (09022015). Collection method: clinical testing. Allele origin: germline.
Comment: This sequence change replaces proline, which is neutral and non-polar, with leucine, which is neutral and non-polar, at codon 50 of the MYO7A protein (p.Pro50Leu). The frequency data for this variant in the population databases is considered unreliable, as metrics indicate poor data quality at this position in the gnomAD database. This variant has not been reported in the literature in individuals affected with MYO7A-related conditions. Advanced modeling of protein sequence and biophysical properties (such as structural, functional, and spatial information, amino acid conservation, physicochemical variation, residue mobility, and thermodynamic stability) performed at Invitae indicates that this missense variant is not expected to disrupt MYO7A protein function. In summary, the available evidence is currently insufficient to determine the role of this variant in disease. Therefore, it has been classified as a Variant of Uncertain Significance.